The following is an entry in ClinVar:

NM_001242896.3(DEPDC5):c.3050T>C (p.Met1017Thr)

Gene: DEPDC5 (DEP domain containing 5, GATOR1 subcomplex subunit; plus strand). Cytogenetic location: 22q12.3.
Variant type: single nucleotide variant.
Coding change: c.3050T>C on transcript NM_001242896.3 (MANE Select); coding-DNA position 3050, T replaced by C.
Protein change: p.Met1017Thr; replaces methionine 1017 with threonine.
Molecular consequence: missense variant. On other transcripts: non-coding transcript variant (5).
Genome position (GRCh38, 1-based): chr22:31,846,862, T>C. VCF-style: chr22-31846862-T-C. GRCh37 (hg19) VCF-style: chr22-32242848-T-C.
Other names: c.3050T>C, p.Met1017Thr (NM_001364320.2, NM_001363852.2, NM_001364318.2); c.2966T>C, p.Met989Thr (NM_001369901.1, NM_001369902.1); c.3023T>C, p.Met1008Thr (NM_001369903.1, NM_014662.6, NM_001136029.4); c.2816T>C, p.Met939Thr (NM_001242897.2, NM_001363854.2, NM_001364319.2); short protein forms M1008T, M1017T, M939T, M989T.
Identifiers: ClinVar variation 2582107 (VCV002582107.4), dbSNP rs200631177, ClinGen allele CA323345431.

ClinVar aggregate classification (germline): Uncertain significance. Review status: criteria provided, multiple submitters, no conflicts (2 of 4 stars). 2 submissions from 2 submitters: Uncertain significance (2). Last evaluated 2023-10-23.

Conditions:
Familial focal epilepsy with variable foci (FPEVF). Identifiers: Orphanet 98820, MedGen C1858477, MONDO:0020310.

Allele frequency attached by ClinVar (database versions not stated): gnomAD exomes below 0.00001; gnomAD 0.00001; TOPMed 0.00001.

Submissions (2):

Labcorp Genetics (formerly Invitae), Labcorp
Classification: Uncertain significance for Familial focal epilepsy with variable foci. Last evaluated: 2023-10-23. Review status: criteria provided, single submitter. Criteria: Invitae Variant Classification Sherloc (09022015). Collection method: clinical testing. Allele origin: germline.
Comment: This sequence change replaces methionine, which is neutral and non-polar, with threonine, which is neutral and polar, at codon 1017 of the DEPDC5 protein (p.Met1017Thr). This variant is not present in population databases (gnomAD no frequency). This variant has not been reported in the literature in individuals affected with DEPDC5-related conditions. Experimental studies and prediction algorithms are not available or were not evaluated, and the functional significance of this variant is currently unknown. In summary, the available evidence is currently insufficient to determine the role of this variant in disease. Therefore, it has been classified as a Variant of Uncertain Significance.

GeneDx
Classification: Uncertain significance. Last evaluated: 2023-03-30. Review status: criteria provided, single submitter. Criteria: GeneDx Variant Classification Process June 2021. Collection method: clinical testing. Allele origin: germline. Affected: yes.
Comment: Not observed at significant frequency in large population cohorts (gnomAD); In silico analysis supports that this missense variant does not alter protein structure/function; Has not been previously published as pathogenic or benign to our knowledge